The following is an entry in ClinVar:

ClinVar aggregate classification (germline): Uncertain significance (1 of 4 stars; one submission).

Submission:

CeGaT Center for Human Genetics Tuebingen
Classification: Uncertain significance. Last evaluated: 2022-07-01. Review status: criteria provided, single submitter. Criteria: CeGaT Center For Human Genetics Tuebingen Variant Classification Criteria Version 2. Collection method: clinical testing. Allele origin: germline. Affected: yes. Observed: 1 variant allele.
Comment: RYR1: PM2, PP3

NM_000540.3(RYR1):c.14963A>G (p.Asn4988Ser)

Gene: RYR1 (ryanodine receptor 1; plus strand). Cytogenetic location: 19q13.2.
Variant type: single nucleotide variant.
Coding change: c.14963A>G on transcript NM_000540.3 (MANE Select); coding-DNA position 14963, A replaced by G.
Protein change: p.Asn4988Ser; replaces asparagine 4988 with serine.
Molecular consequence: missense variant.
Genome position (GRCh38, 1-based): chr19:38,586,185, A>G. VCF-style: chr19-38586185-A-G. GRCh37 (hg19) VCF-style: chr19-39076825-A-G.
Other names: c.14948A>G, p.Asn4983Ser (NM_001042723.2); short protein forms N4983S, N4988S.
Identifiers: ClinVar variation 1701367 (VCV001701367.31), dbSNP rs2145918298, ClinGen allele CA405693364.
Genomic context (GRCh38, chr19:38,586,185, plus strand): 5'-ACTTTGATACGACACCGCATGGCTTCGAGACTCACACGCTGGAGGAGCACAACCTGGCCA[A>G]TTACATGTGAGCAGACACACTGGCCAGTCAGGAGGGTGGGGGGCATGGCTGCCAATAGCC-3'
Protein context (NP_000531.2, residues 4978-4998): THTLEEHNLA[Asn4988Ser]YMFFLMYLIN